The following is an entry in ClinVar:

ClinVar aggregate classification (germline): Uncertain significance (1 of 4 stars; one submission).

gnomAD v4.1: 19 of 1,612,814 alleles (0.0012%); highest among the groups gnomAD compares: African/African-American, 0.025%; no homozygotes.

Submission:

CeGaT Center for Human Genetics Tuebingen
Classification: Uncertain significance. Last evaluated: 2026-01-01. Review status: criteria provided, single submitter. Criteria: CeGaT Center For Human Genetics Tuebingen Variant Classification Criteria Version 2. Collection method: clinical testing. Allele origin: germline. Affected: yes. Observed: 1 variant allele.
Comment: TET3: PM2, BP4

NM_001287491.2(TET3):c.4717A>T (p.Ser1573Cys)

Gene: TET3 (tet methylcytosine dioxygenase 3; plus strand). Cytogenetic location: 2p13.1.
Variant type: single nucleotide variant.
Coding change: c.4717A>T on transcript NM_001287491.2 (MANE Select); coding-DNA position 4717, A replaced by T.
Protein change: p.Ser1573Cys; replaces serine 1573 with cysteine.
Molecular consequence: missense variant.
Genome position (GRCh38, 1-based): chr2:74,101,505, A>T. VCF-style: chr2-74101505-A-T. GRCh37 (hg19) VCF-style: chr2-74328632-A-T.
Other names: c.4438A>T, p.Ser1480Cys (NM_001366022.1); short protein forms S1480C, S1573C.
Identifiers: ClinVar variation 4823180 (VCV004823180.4).